The following is an entry in ClinVar:

NM_004655.4(AXIN2):c.898A>G (p.Ser300Gly)

Gene: AXIN2 (axin 2; minus strand). Cytogenetic location: 17q24.1.
Variant type: single nucleotide variant.
Coding change: c.898A>G on transcript NM_004655.4 (MANE Select); coding-DNA position 898, A replaced by G.
Protein change: p.Ser300Gly; replaces serine 300 with glycine.
Molecular consequence: missense variant.
Genome position (GRCh38, 1-based): chr17:65,549,578, T>C on the plus strand (A>G on the coding strand, the complement: AXIN2 is on the minus strand). VCF-style: chr17-65549578-T-C. GRCh37 (hg19) VCF-style: chr17-63545696-T-C.
Other names: c.898A>G, p.Ser300Gly (NM_001363813.1); short protein forms S300G.
Identifiers: ClinVar variation 3370565 (VCV003370565.1).
Genomic context (GRCh38, chr17:65,549,578, plus strand): 5'-ACACACTGCTGTCCGTCATGGACATGGAATCATCCGTCAGCGCATCACTGGATATCTCAC[T>C]GTCGTTGGCGCTGGTGGCTGGTGCAAAGACATAGCCAGAACCTATGTGATAAGGATTAAC-3'
Protein context (NP_004646.3, residues 290-310): VFAPATSAND[Ser300Gly]EISSDALTDD

ClinVar aggregate classification (germline): Uncertain significance (1 of 4 stars; one submission).

Submission:

GeneDx
Classification: Uncertain significance. Last evaluated: 2024-03-05. Review status: criteria provided, single submitter. Criteria: GeneDx Variant Classification Process June 2021. Collection method: clinical testing. Allele origin: germline. Affected: yes.
Comment: Not observed at significant frequency in large population cohorts (gnomAD); In silico analysis supports that this missense variant has a deleterious effect on protein structure/function; Has not been previously published as pathogenic or benign to our knowledge